The following is an entry in ClinVar:

ClinVar aggregate classification (germline): Uncertain significance (1 of 4 stars; one submission).

Allele frequency attached by ClinVar (database versions not stated): gnomAD exomes below 0.00001; gnomAD 0.00001; TOPMed 0.00002.

Submission:

Labcorp Genetics (formerly Invitae), Labcorp
Classification: Uncertain significance. Last evaluated: 2022-10-12. Review status: criteria provided, single submitter. Criteria: Invitae Variant Classification Sherloc (09022015). Collection method: clinical testing. Allele origin: germline.
Comment: This sequence change replaces glutamic acid, which is acidic and polar, with lysine, which is basic and polar, at codon 62 of the RBP4 protein (p.Glu62Lys). This variant is not present in population databases (gnomAD no frequency). This variant has not been reported in the literature in individuals affected with RBP4-related conditions. Algorithms developed to predict the effect of missense changes on protein structure and function (SIFT, PolyPhen-2, Align-GVGD) all suggest that this variant is likely to be tolerated. In summary, the available evidence is currently insufficient to determine the role of this variant in disease. Therefore, it has been classified as a Variant of Uncertain Significance.

NM_006744.4(RBP4):c.184G>A (p.Glu62Lys)

Gene: RBP4 (retinol binding protein 4; minus strand). Cytogenetic location: 10q23.33.
Variant type: single nucleotide variant.
Coding change: c.184G>A on transcript NM_006744.4 (MANE Select); coding-DNA position 184, G replaced by A.
Protein change: p.Glu62Lys; replaces glutamic acid 62 with lysine.
Molecular consequence: missense variant.
Genome position (GRCh38, 1-based): chr10:93,600,731, C>T on the plus strand (G>A on the coding strand, the complement: RBP4 is on the minus strand). VCF-style: chr10-93600731-C-T. GRCh37 (hg19) VCF-style: chr10-95360488-C-T.
Other names: c.184G>A, p.Glu62Lys (NM_001323517.1); c.178G>A, p.Glu60Lys (NM_001323518.2); short protein forms E60K, E62K.
Identifiers: ClinVar variation 1940411 (VCV001940411.5), dbSNP rs2058331420, ClinGen allele CA377618271.
Genomic context (GRCh38, chr10:93,600,731, plus strand): 5'-AAAGACGGACTCGGCCCTTGGCTGTGGCGCTCATCTGGCCGGTCTCGTCCACGGAGAACT[C>T]CGCGACGATGTTGTCCTGCAGAAAGAGGCCCTCGGGGTCCTTCTTGGCCATGGCGTACCA-3'
Protein context (NP_006735.2, residues 52-72): GLFLQDNIVA[Glu62Lys]FSVDETGQMS